The following is an entry in ClinVar:

ClinVar aggregate classification (germline): Pathogenic (1 of 4 stars; one submission).

Submission:

Labcorp Genetics (formerly Invitae), Labcorp
Classification: Pathogenic. Last evaluated: 2025-12-21. Review status: criteria provided, single submitter. Criteria: Invitae Variant Classification Sherloc (09022015). Collection method: clinical testing. Allele origin: germline.
Comment: This sequence change creates a premature translational stop signal (p.Trp297*) in the GNB1 gene. It is expected to result in an absent or disrupted protein product. Loss-of-function variants in GNB1 are known to be pathogenic (PMID: 25485910, 27108799, 28087732, 32918542). This variant is not present in population databases (gnomAD no frequency). This variant has not been reported in the literature in individuals affected with GNB1-related conditions. For these reasons, this variant has been classified as Pathogenic.

Literature cited by the submitters: PubMed 25485910; PubMed 27108799; PubMed 28087732; PubMed 32918542.

NM_002074.5(GNB1):c.891G>A (p.Trp297Ter)

Gene: GNB1 (G protein subunit beta 1; minus strand). Cytogenetic location: 1p36.33.
Variant type: single nucleotide variant.
Coding change: c.891G>A on transcript NM_002074.5 (MANE Select); coding-DNA position 891, G replaced by A.
Protein change: p.Trp297Ter; replaces tryptophan 297 with a stop codon.
Molecular consequence: nonsense.
Genome position (GRCh38, 1-based): chr1:1,789,078, C>T on the plus strand (G>A on the coding strand, the complement: GNB1 is on the minus strand). VCF-style: chr1-1789078-C-T. GRCh37 (hg19) VCF-style: chr1-1720517-C-T.
Other names: c.591G>A, p.Trp197Ter (NM_001282538.2); c.891G>A, p.Trp297Ter (NM_001282539.2); short protein forms W297*, W197*.
Identifiers: ClinVar variation 4733774 (VCV004733774.1).